The following is an entry in ClinVar:

ClinVar aggregate classification (germline): Uncertain significance (1 of 4 stars; one submission).

Submission:

GeneDx
Classification: Uncertain significance. Last evaluated: 2019-06-07. Review status: criteria provided, single submitter. Criteria: GeneDx Variant Classification Process June 2021. Collection method: clinical testing. Allele origin: germline. Affected: yes.
Comment: Not observed in large population cohorts (Lek et al., 2016); In silico analysis, which includes protein predictors and evolutionary conservation, supports a deleterious effect; Has not been previously published as pathogenic or benign to our knowledge

NM_020435.4(GJC2):c.776C>T (p.Ser259Leu)

Gene: GJC2 (gap junction protein gamma 2; plus strand). Cytogenetic location: 1q42.13.
Variant type: single nucleotide variant.
Coding change: c.776C>T on transcript NM_020435.4 (MANE Select); coding-DNA position 776, C replaced by T.
Protein change: p.Ser259Leu; replaces serine 259 with leucine.
Molecular consequence: missense variant.
Genome position (GRCh38, 1-based): chr1:228,158,534, C>T. VCF-style: chr1-228158534-C-T. GRCh37 (hg19) VCF-style: chr1-228346235-C-T.
Other names: short protein forms S259L.
Identifiers: ClinVar variation 1302711 (VCV001302711.2), dbSNP rs866103758, ClinGen allele CA38728128.